The following is an entry in ClinVar:

NM_001009944.3(PKD1):c.4546G>A (p.Ala1516Thr)

Gene: PKD1 (polycystin 1, transient receptor potential channel interacting; minus strand). Cytogenetic location: 16p13.3.
Variant type: single nucleotide variant.
Coding change: c.4546G>A on transcript NM_001009944.3 (MANE Select); coding-DNA position 4546, G replaced by A.
Protein change: p.Ala1516Thr; replaces alanine 1516 with threonine.
Molecular consequence: missense variant.
Genome position (GRCh38, 1-based): chr16:2,110,621, C>T on the plus strand (G>A on the coding strand, the complement: PKD1 is on the minus strand). VCF-style: chr16-2110621-C-T. GRCh37 (hg19) VCF-style: chr16-2160622-C-T.
Other names: c.4546G>A, p.Ala1516Thr (NM_000296.4); short protein forms A1516T.
Identifiers: ClinVar variation 256967 (VCV000256967.45), dbSNP rs148164067, ClinGen allele CA7832338.

ClinVar aggregate classification (germline): Benign/Likely benign. Review status: criteria provided, multiple submitters, no conflicts (2 of 4 stars). 13 submissions from 13 submitters: Benign (5); Likely benign (3). 5 of the submissions do not count toward it. Last evaluated 2026-09-01.

Conditions:
PKD1-related disorder. Also called: PKD1-related condition.
Polycystic kidney disease, adult type (PKD1). Also called: POLYCYSTIC KIDNEY DISEASE, ADULT, TYPE I; Polycystic Kidney, Autosomal Dominant; Polycystic Kidney Disease 1, Autosomal Dominant; Polycystic kidney disease 1; Polycystic kidney disease 1, severe; POLYCYSTIC KIDNEY DISEASE 1 WITH OR WITHOUT POLYCYSTIC LIVER DISEASE. Identifiers: MedGen C3149841, MONDO:0008263, OMIM 173900.

Allele frequency attached by ClinVar (database versions not stated): 1000 Genomes Project 0.00300; 1000 Genomes Project 30x 0.00312; TOPMed 0.00414; gnomAD 0.00506 and 0.00508; ESP Exome Variant Server 0.00525; gnomAD exomes 0.00576 and 0.00693; ExAC 0.00609.
gnomAD v4.1: 10,835 of 1,610,296 alleles (0.67%); highest among the groups gnomAD compares: Middle Eastern, 0.79%; 38 homozygotes.

Submissions (13):

CeGaT Center for Human Genetics Tuebingen
Classification: Likely benign. Last evaluated: 2026-09-01. Review status: criteria provided, single submitter. Criteria: CeGaT Center For Human Genetics Tuebingen Variant Classification Criteria Version 2. Collection method: clinical testing. Allele origin: germline. Affected: yes. Observed: 10 variant alleles.
Comment: PKD1: BP4, BS2

Women's Health and Genetics/Laboratory Corporation of America, LabCorp
Classification: Likely benign. Last evaluated: 2025-06-18. Review status: criteria provided, single submitter. Criteria: LabCorp Variant Classification Summary - May 2015. Collection method: clinical testing. Allele origin: germline.
Comment: Variant summary: PKD1 c.4546G>A (p.Ala1516Thr) results in a non-conservative amino acid change in the encoded protein sequence. Algorithms developed to predict the effect of missense changes on protein structure and function are either unavailable or do not agree on the potential impact of this missense change. The variant allele was found at a frequency of 0.0058 in 248178 control chromosomes in the gnomAD database, including 5 homozygotes. The observed variant frequency exceeds the estimated maximal expected allele frequency for a pathogenic variant in PKD1 causing PKD1-Biallelic Autosomal Recessive Polycystic Kidney Disease phenotype. To our knowledge, no occurrence of c.4546G>A in individuals affected with PKD1-Biallelic Autosomal Recessive Polycystic Kidney Disease and no experimental evidence demonstrating its impact on protein function have been reported. ClinVar contains an entry for this variant (Variation ID: 256967). Based on the evidence outlined above, the variant was classified as likely benign.

Blueprint Genetics
Classification: Benign. Last evaluated: 2024-11-25. Review status: criteria provided, single submitter. Criteria: ACMG Guidelines, 2015. Collection method: clinical testing. Allele origin: germline.

Mayo Clinic Laboratories, Mayo Clinic
Classification: Benign. Last evaluated: 2022-10-14. Review status: criteria provided, single submitter. Criteria: ACMG Guidelines, 2015. Collection method: clinical testing. Allele origin: germline. Observed: 16 variant alleles.
Comment: BS1, BS2, BP4

ARUP Laboratories, Molecular Genetics and Genomics, ARUP Laboratories
Classification: Benign for Polycystic kidney disease, adult type. Last evaluated: 2020-04-01. Review status: criteria provided, single submitter. Criteria: ARUP Molecular Germline Variant Investigation Process. Collection method: clinical testing. Allele origin: germline.

GeneDx
Classification: Benign. Last evaluated: 2020-03-12. Review status: criteria provided, single submitter. Criteria: GeneDx Variant Classification Process June 2021. Collection method: clinical testing. Allele origin: germline. Affected: yes.
Comment: This variant is associated with the following publications: (PMID: 17574468, 18640754, 22383692, 18837007, 22008521)

Athena Diagnostics
Classification: Benign. Last evaluated: 2020-02-04. Review status: criteria provided, single submitter. Criteria: Athena Diagnostics Criteria. Collection method: clinical testing. Allele origin: unknown.

Breakthrough Genomics
Classification: Likely benign. Review status: criteria provided, single submitter. Criteria: ACMG Guidelines, 2015. Collection method: not provided. Allele origin: germline. Inheritance: Autosomal dominant inheritance. Affected: yes.

PreventionGenetics, part of Exact Sciences
Classification: Benign for PKD1-related condition. Last evaluated: 2019-10-01. Review status: no assertion criteria provided. Collection method: clinical testing. Allele origin: germline. Not counted in ClinVar's aggregate classification.
Comment: This variant is classified as benign based on ACMG/AMP sequence variant interpretation guidelines (Richards et al. 2015 PMID: 25741868, with internal and published modifications).

Clinical Genetics DNA and cytogenetics Diagnostics Lab, Erasmus MC, Erasmus Medical Center
Classification: Likely benign. Review status: no assertion criteria provided. Collection method: clinical testing. Allele origin: germline. Affected: yes. Study: VKGL Data-share Consensus. Not counted in ClinVar's aggregate classification.

Department of Pathology and Laboratory Medicine, Sinai Health System
Classification: Benign. Review status: no assertion criteria provided. Collection method: clinical testing. Allele origin: unknown. Affected: yes. Study: The Canadian Open Genetics Repository (COGR). Not counted in ClinVar's aggregate classification.

Genome Diagnostics Laboratory, University Medical Center Utrecht
Classification: Benign. Review status: no assertion criteria provided. Collection method: clinical testing. Allele origin: germline. Affected: yes. Study: VKGL Data-share Consensus. Not counted in ClinVar's aggregate classification.

Laboratory of Diagnostic Genome Analysis, Leiden University Medical Center (LUMC)
Classification: Likely benign. Review status: no assertion criteria provided. Collection method: clinical testing. Allele origin: germline. Affected: yes. Study: VKGL Data-share Consensus. Not counted in ClinVar's aggregate classification.

Literature cited by the submitters: PubMed 17574468 (cited by Athena Diagnostics); PubMed 17582161 (cited by Athena Diagnostics); PubMed 18640754 (cited by Athena Diagnostics); PubMed 18837007 (cited by Athena Diagnostics).